The following is an entry in ClinVar:

ClinVar aggregate classification (germline): Likely pathogenic. Review status: criteria provided, multiple submitters, no conflicts (2 of 4 stars). 2 submissions from 2 submitters: Likely pathogenic (2). Last evaluated 2024-07-22.

Conditions:
Autosomal recessive polycystic kidney disease (ARPKD). Also called: AR polycystic kidney disease. Identifiers: Orphanet 731, Orphanet 8378, MedGen C0085548, MeSH D017044, MONDO:0009889.

Submissions (2):

Natera, Inc.
Classification: Likely pathogenic for Autosomal recessive polycystic kidney disease. Last evaluated: 2024-07-22. Review status: criteria provided, single submitter. Criteria: Natera Variant Classification Schema (03/2026). Collection method: clinical testing. Allele origin: germline.
Comment: The c.11507-1G>A variant in PKHD1 is a canonical splice acceptor site variant predicted to affect pre-mRNA splicing, which may result in an abnormal transcript and altered protein product. This variant is expected to result in nonsense mediated decay, truncation, or a dysfunctional protein product. This variant is rare in the general population with a frequency below the threshold expected for the associated phenotype(s). Given the available evidence, this variant is classified as Likely Pathogenic.

Labcorp Genetics (formerly Invitae), Labcorp
Classification: Likely pathogenic for Autosomal recessive polycystic kidney disease. Last evaluated: 2021-10-22. Review status: criteria provided, single submitter. Criteria: Invitae Variant Classification Sherloc (09022015). Collection method: clinical testing. Allele origin: germline.
Comment: In summary, the currently available evidence indicates that the variant is pathogenic, but additional data are needed to prove that conclusively. Therefore, this variant has been classified as Likely Pathogenic. Algorithms developed to predict the effect of sequence changes on RNA splicing suggest that this variant may disrupt the consensus splice site. This variant has not been reported in the literature in individuals affected with PKHD1-related conditions. This variant is not present in population databases (gnomAD no frequency). This sequence change affects an acceptor splice site in intron 64 of the PKHD1 gene. It is expected to disrupt RNA splicing. Variants that disrupt the donor or acceptor splice site typically lead to a loss of protein function (PMID: 16199547), and loss-of-function variants in PKHD1 are known to be pathogenic (PMID: 19940839).

Literature cited by the submitters: PubMed 16199547 (cited by Labcorp Genetics (formerly Invitae), Labcorp); PubMed 19940839 (cited by Labcorp Genetics (formerly Invitae), Labcorp).

NM_138694.4(PKHD1):c.11507-1G>A

Gene: PKHD1 (PKHD1 ciliary IPT domain containing fibrocystin/polyductin; minus strand). Cytogenetic location: 6p12.3.
Variant type: single nucleotide variant.
Coding change: c.11507-1G>A on transcript NM_138694.4 (MANE Select); the canonical splice acceptor site of the intron before coding-DNA position 11507, G replaced by A.
Molecular consequence: splice acceptor variant.
Genome position (GRCh38, 1-based): chr6:51,632,724, C>T on the plus strand (G>A on the coding strand, the complement: PKHD1 is on the minus strand). VCF-style: chr6-51632724-C-T. GRCh37 (hg19) VCF-style: chr6-51497522-C-T.
Other names: c.11507-1G>A (NM_138694.3).
Identifiers: ClinVar variation 1478429 (VCV001478429.7), dbSNP rs2150304734, ClinGen allele CA364420490.
Genomic context (GRCh38, chr6:51,632,724, plus strand): 5'-TCTCCTTCCTAGTCACAGGCAAGACAGCAAATGGCTTGGATCGAGCTGTAAAATTGACTC[C>T]TGTGGCGGGGAAAAGAAGATGTTTCAATGATATGTTAATAAGATGCTAATATAATTAAAA-3'